The following is an entry in ClinVar:

ClinVar aggregate classification (germline): Uncertain significance (1 of 4 stars; one submission).

Conditions:
Joubert syndrome. Also called: CEREBELLOPARENCHYMAL DISORDER IV; JOUBERT-BOLTSHAUSER SYNDROME; Familial aplasia of the vermis. Identifiers: Orphanet 475, MedGen C5979921, MONDO:0018772.
Meckel-Gruber syndrome. Also called: DYSENCEPHALIA SPLANCHNOCYSTICA; GRUBER SYNDROME; Dysencephalia splachnocystica. Identifiers: Orphanet 564, MedGen C0265215, MONDO:0018921.

Submission:

Labcorp Genetics (formerly Invitae), Labcorp
Classification: Uncertain significance for Joubert syndrome; Meckel-Gruber syndrome. Last evaluated: 2021-11-30. Review status: criteria provided, single submitter. Criteria: Invitae Variant Classification Sherloc (09022015). Collection method: clinical testing. Allele origin: germline.
Comment: This sequence change replaces proline, which is neutral and non-polar, with threonine, which is neutral and polar, at codon 913 of the TMEM67 protein (p.Pro913Thr). This variant is not present in population databases (gnomAD no frequency). This variant has not been reported in the literature in individuals affected with TMEM67-related conditions. Advanced modeling of protein sequence and biophysical properties (such as structural, functional, and spatial information, amino acid conservation, physicochemical variation, residue mobility, and thermodynamic stability) performed at Invitae indicates that this missense variant is expected to disrupt TMEM67 protein function. In summary, the available evidence is currently insufficient to determine the role of this variant in disease. Therefore, it has been classified as a Variant of Uncertain Significance.

NM_153704.6(TMEM67):c.2737C>A (p.Pro913Thr)

Gene: TMEM67 (transmembrane protein 67; plus strand). Cytogenetic location: 8q22.1.
Variant type: single nucleotide variant.
Coding change: c.2737C>A on transcript NM_153704.6 (MANE Select); coding-DNA position 2737, C replaced by A.
Protein change: p.Pro913Thr; replaces proline 913 with threonine.
Molecular consequence: missense variant. On other transcripts: non-coding transcript variant (1).
Genome position (GRCh38, 1-based): chr8:93,809,860, C>A. VCF-style: chr8-93809860-C-A. GRCh37 (hg19) VCF-style: chr8-94822088-C-A.
Other names: c.2494C>A, p.Pro832Thr (NM_001142301.1); short protein forms P832T, P913T.
Identifiers: ClinVar variation 1371101 (VCV001371101.3), dbSNP rs1254095209, ClinGen allele CA371699735.
Genomic context (GRCh38, chr8:93,809,860, plus strand): 5'-GATTACTTTATAAAAGATAAGTTGCTTCTTGAAAGAATTCTTGGAATGGAATTCATGGAA[C>A]CAATGGAAAAAAGCATCTTTTACAATGGTATCTTCTAAATCCCTTTGTAGAACTTGATAA-3'
Protein context (NP_714915.3, residues 903-923): ERILGMEFME[Pro913Thr]MEKSIFYNDE